The following is an entry in ClinVar:

ClinVar aggregate classification (germline): Uncertain significance (1 of 4 stars; one submission).

Conditions:
Nemaline myopathy 2 (NEM2). Also called: Nemaline myopathy 2, autosomal recessive. Identifiers: MedGen C1850569, MONDO:0009725, OMIM 256030.

Allele frequency attached by ClinVar (database versions not stated): TOPMed below 0.00001; gnomAD 0.00001.
gnomAD v4.1: 1 of 1,609,424 alleles (0.000062%); highest among the groups gnomAD compares: Non-Finnish European, 0.000085%; no homozygotes.

Submission:

Labcorp Genetics (formerly Invitae), Labcorp
Classification: Uncertain significance for Nemaline myopathy 2. Last evaluated: 2022-08-25. Review status: criteria provided, single submitter. Criteria: Invitae Variant Classification Sherloc (09022015). Collection method: clinical testing. Allele origin: germline.
Comment: This sequence change replaces isoleucine, which is neutral and non-polar, with valine, which is neutral and non-polar, at codon 1777 of the NEB protein (p.Ile1777Val). This variant is not present in population databases (gnomAD no frequency). This variant has not been reported in the literature in individuals affected with NEB-related conditions. Algorithms developed to predict the effect of missense changes on protein structure and function output the following: SIFT: "Deleterious"; PolyPhen-2: "Not Available"; Align-GVGD: "Class C0". The valine amino acid residue is found in multiple mammalian species, which suggests that this missense change does not adversely affect protein function. In summary, the available evidence is currently insufficient to determine the role of this variant in disease. Therefore, it has been classified as a Variant of Uncertain Significance.

NM_001164508.2(NEB):c.5329A>G (p.Ile1777Val)

Gene: NEB (nebulin; minus strand). Cytogenetic location: 2q23.3.
Variant type: single nucleotide variant.
Coding change: c.5329A>G on transcript NM_001164508.2 (MANE Select); coding-DNA position 5329, A replaced by G.
Protein change: p.Ile1777Val; replaces isoleucine 1777 with valine.
Molecular consequence: missense variant.
Genome position (GRCh38, 1-based): chr2:151,664,773, T>C on the plus strand (A>G on the coding strand, the complement: NEB is on the minus strand). VCF-style: chr2-151664773-T-C. GRCh37 (hg19) VCF-style: chr2-152521287-T-C.
Other names: c.5329A>G, p.Ile1777Val (NM_001164507.2, NM_001271208.2, NM_004543.5); short protein forms I1777V.
Identifiers: ClinVar variation 1937646 (VCV001937646.2), dbSNP rs2099190661, ClinGen allele CA348811312.